The following is an entry in ClinVar:

NM_153766.3(KCNJ1):c.522G>A (p.Thr174=)

Gene: KCNJ1 (potassium inwardly rectifying channel subfamily J member 1; minus strand). Cytogenetic location: 11q24.3.
Variant type: single nucleotide variant.
Coding change: c.522G>A on transcript NM_153766.3 (MANE Select); coding-DNA position 522, G replaced by A.
Protein change: p.Thr174=; no amino-acid change (threonine 174 retained).
Molecular consequence: synonymous variant.
Genome position (GRCh38, 1-based): chr11:128,839,722, C>T on the plus strand (G>A on the coding strand, the complement: KCNJ1 is on the minus strand). VCF-style: chr11-128839722-C-T. GRCh37 (hg19) VCF-style: chr11-128709617-C-T.
Other names: c.579G>A, p.Thr193= (NM_000220.6); c.522G>A, p.Thr174= (NM_153764.3, NM_153767.4); c.573G>A, p.Thr191= (NM_153765.3).
Identifiers: ClinVar variation 747552 (VCV000747552.11), dbSNP rs150487168, ClinGen allele CA6357502.
Genomic context (GRCh38, chr11:128,839,722, plus strand): 5'-CACTCGGATTAGGAGGCAAAGCTTCCCTCCCCGTTTGCTGATCACTGCGTTCTTGCTGAA[C>T]GTAATGGTCTTGGCACGTTTTTTGGGCCTGGAGATCTTGGCTAAGATGGCCCCACACATG-3'
Protein context (NP_722450.1, residues 164-184): SRPKKRAKTI[Thr174=]FSKNAVISKR

ClinVar aggregate classification (germline): Likely benign. Review status: criteria provided, single submitter (1 of 4 stars). 2 submissions from 2 submitters: Likely benign (1). 1 of the submissions does not count toward it. Last evaluated 2026-01-16.

Conditions:
KCNJ1-related disorder. Also called: KCNJ1-related condition.

Allele frequency attached by ClinVar (database versions not stated): TOPMed 0.00011; gnomAD 0.00012 and 0.00013; 1000 Genomes Project 30x 0.00016; 1000 Genomes Project 0.00020; gnomAD exomes 0.00003; ExAC 0.00005.
gnomAD v4.1: 69 of 1,613,476 alleles (0.0043%); highest among the groups gnomAD compares: African/African-American, 0.039%; no homozygotes.

Submissions (2):

Labcorp Genetics (formerly Invitae), Labcorp
Classification: Likely benign. Last evaluated: 2026-01-16. Review status: criteria provided, single submitter. Criteria: Invitae Variant Classification Sherloc (09022015). Collection method: clinical testing. Allele origin: germline.

PreventionGenetics, part of Exact Sciences
Classification: Likely benign for KCNJ1-related condition. Last evaluated: 2019-05-30. Review status: no assertion criteria provided. Collection method: clinical testing. Allele origin: germline. Not counted in ClinVar's aggregate classification.
Comment: This variant is classified as likely benign based on ACMG/AMP sequence variant interpretation guidelines (Richards et al. 2015 PMID: 25741868, with internal and published modifications).